The following is an entry in ClinVar:

ClinVar aggregate classification (germline): Uncertain significance (1 of 4 stars; one submission).

Conditions:
Joubert syndrome. Also called: CEREBELLOPARENCHYMAL DISORDER IV; JOUBERT-BOLTSHAUSER SYNDROME; Familial aplasia of the vermis. Identifiers: Orphanet 475, MedGen C5979921, MONDO:0018772.
Meckel-Gruber syndrome. Also called: DYSENCEPHALIA SPLANCHNOCYSTICA; GRUBER SYNDROME; Dysencephalia splachnocystica. Identifiers: Orphanet 564, MedGen C0265215, MONDO:0018921.

Submission:

Labcorp Genetics (formerly Invitae), Labcorp
Classification: Uncertain significance for Joubert syndrome; Meckel-Gruber syndrome. Last evaluated: 2024-03-03. Review status: criteria provided, single submitter. Criteria: Invitae Variant Classification Sherloc (09022015). Collection method: clinical testing. Allele origin: germline.
Comment: This sequence change replaces phenylalanine, which is neutral and non-polar, with serine, which is neutral and polar, at codon 866 of the RPGRIP1L protein (p.Phe866Ser). This variant is not present in population databases (gnomAD no frequency). This variant has not been reported in the literature in individuals affected with RPGRIP1L-related conditions. Advanced modeling of protein sequence and biophysical properties (such as structural, functional, and spatial information, amino acid conservation, physicochemical variation, residue mobility, and thermodynamic stability) performed at Invitae indicates that this missense variant is expected to disrupt RPGRIP1L protein function with a positive predictive value of 80%. In summary, the available evidence is currently insufficient to determine the role of this variant in disease. Therefore, it has been classified as a Variant of Uncertain Significance.

NM_015272.5(RPGRIP1L):c.2597T>C (p.Phe866Ser)

Gene: RPGRIP1L (RPGRIP1 like; minus strand). Cytogenetic location: 16q12.2.
Variant type: single nucleotide variant.
Coding change: c.2597T>C on transcript NM_015272.5 (MANE Select); coding-DNA position 2597, T replaced by C.
Protein change: p.Phe866Ser; replaces phenylalanine 866 with serine.
Molecular consequence: missense variant.
Genome position (GRCh38, 1-based): chr16:53,645,711, A>G on the plus strand (T>C on the coding strand, the complement: RPGRIP1L is on the minus strand). VCF-style: chr16-53645711-A-G. GRCh37 (hg19) VCF-style: chr16-53679623-A-G.
Other names: c.2597T>C, p.Phe866Ser (NM_001127897.4, NM_001308334.3, NM_001330538.2); short protein forms F866S.
Identifiers: ClinVar variation 3755088 (VCV003755088.2).